The following is an entry in ClinVar:

ClinVar aggregate classification (germline): Pathogenic (1 of 4 stars; one submission).

Submission:

GeneDx
Classification: Pathogenic. Last evaluated: 2025-04-20. Review status: criteria provided, single submitter. Criteria: GeneDx Variant Classification Process June 2021. Collection method: clinical testing. Allele origin: germline. Affected: yes.
Comment: Not observed at significant frequency in large population cohorts (gnomAD); In silico analysis supports that this missense variant has a deleterious effect on protein structure/function; Has not been previously published as pathogenic or benign to our knowledge

NM_003070.5(SMARCA2):c.2647C>T (p.Pro883Ser)

Gene: SMARCA2 (SWI/SNF related BAF chromatin remodeling complex subunit ATPase 2; plus strand). Cytogenetic location: 9p24.3.
Variant type: single nucleotide variant.
Coding change: c.2647C>T on transcript NM_003070.5 (MANE Select); coding-DNA position 2647, C replaced by T.
Protein change: p.Pro883Ser; replaces proline 883 with serine.
Molecular consequence: missense variant. On other transcripts: intron variant (1).
Genome position (GRCh38, 1-based): chr9:2,086,949, C>T. VCF-style: chr9-2086949-C-T. GRCh37 (hg19) VCF-style: chr9-2086949-C-T.
Other names: c.2647C>T, p.Pro883Ser (NM_001289396.2, NM_139045.4); c.2595+52C>T (NM_001289397.2); short protein forms P883S.
Identifiers: ClinVar variation 4282221 (VCV004282221.1).